The following is an entry in ClinVar:

NM_001042681.2(RERE):c.1735G>A (p.Gly579Ser)

Gene: RERE (arginine-glutamic acid dipeptide repeats; minus strand). Cytogenetic location: 1p36.23.
Variant type: single nucleotide variant.
Coding change: c.1735G>A on transcript NM_001042681.2 (MANE Select); coding-DNA position 1735, G replaced by A.
Protein change: p.Gly579Ser; replaces glycine 579 with serine.
Molecular consequence: missense variant.
Genome position (GRCh38, 1-based): chr1:8,364,061, C>T on the plus strand (G>A on the coding strand, the complement: RERE is on the minus strand). VCF-style: chr1-8364061-C-T. GRCh37 (hg19) VCF-style: chr1-8424121-C-T.
Other names: c.73G>A, p.Gly25Ser (NM_001042682.2); c.1735G>A, p.Gly579Ser (NM_012102.4); short protein forms G25S, G579S.
Identifiers: ClinVar variation 2435406 (VCV002435406.6), dbSNP rs771592760, ClinGen allele CA571609.

ClinVar aggregate classification (germline): Uncertain significance. Review status: criteria provided, multiple submitters, no conflicts (2 of 4 stars). 3 submissions from 3 submitters: Uncertain significance (3). Last evaluated 2026-05-01.

Conditions:
Neurodevelopmental disorder with or without anomalies of the brain, eye, or heart (NEDBEH). Identifiers: Orphanet 494344, MedGen C5567477, MONDO:0014857, OMIM 616975.

Allele frequency attached by ClinVar (database versions not stated): gnomAD exomes 0.00001; TOPMed 0.00001; ExAC 0.00002.
gnomAD v4.1: 8 of 1,614,104 alleles (0.0005%); highest among the groups gnomAD compares: Admixed American, 0.0017%; no homozygotes.

Submissions (3):

CeGaT Center for Human Genetics Tuebingen
Classification: Uncertain significance. Last evaluated: 2026-05-01. Review status: criteria provided, single submitter. Criteria: CeGaT Center For Human Genetics Tuebingen Variant Classification Criteria Version 2. Collection method: clinical testing. Allele origin: germline. Affected: yes. Observed: 1 variant allele.
Comment: RERE: PM2:Supporting, BP3

Revvity Omics, Revvity
Classification: Uncertain significance for Neurodevelopmental disorder with or without anomalies of the brain, eye, or heart. Last evaluated: 2023-12-06. Review status: criteria provided, single submitter. Criteria: ACMG Guidelines, 2015. Collection method: clinical testing. Allele origin: germline.

New York Genome Center
Classification: Uncertain significance for Neurodevelopmental disorder with or without anomalies of the brain, eye, or heart. Last evaluated: 2022-11-22. Review status: criteria provided, single submitter. Criteria: NYGC Assertion Criteria 2020. Collection method: clinical testing. Allele origin: inherited. Observed: 1 compound heterozygote.